The following is an entry in ClinVar:

ClinVar aggregate classification (germline): Uncertain significance (1 of 4 stars; one submission).

Allele frequency attached by ClinVar (database versions not stated): TOPMed below 0.00001.
gnomAD v4.1: 1 of 1,613,880 alleles (0.000062%); highest among the groups gnomAD compares: Admixed American, 0.0017%; no homozygotes.

Submission:

Labcorp Genetics (formerly Invitae), Labcorp
Classification: Uncertain significance. Last evaluated: 2023-12-28. Review status: criteria provided, single submitter. Criteria: Invitae Variant Classification Sherloc (09022015). Collection method: clinical testing. Allele origin: germline.
Comment: This sequence change replaces proline, which is neutral and non-polar, with alanine, which is neutral and non-polar, at codon 200 of the RAI1 protein (p.Pro200Ala). This variant is not present in population databases (gnomAD no frequency). This variant has not been reported in the literature in individuals affected with RAI1-related conditions. Advanced modeling of protein sequence and biophysical properties (such as structural, functional, and spatial information, amino acid conservation, physicochemical variation, residue mobility, and thermodynamic stability) performed at Invitae indicates that this missense variant is not expected to disrupt RAI1 protein function with a negative predictive value of 80%. In summary, the available evidence is currently insufficient to determine the role of this variant in disease. Therefore, it has been classified as a Variant of Uncertain Significance.

NM_030665.4(RAI1):c.598C>G (p.Pro200Ala)

Gene: RAI1 (retinoic acid induced 1; plus strand). Cytogenetic location: 17p11.2.
Variant type: single nucleotide variant.
Coding change: c.598C>G on transcript NM_030665.4 (MANE Select); coding-DNA position 598, C replaced by G.
Protein change: p.Pro200Ala; replaces proline 200 with alanine.
Molecular consequence: missense variant.
Genome position (GRCh38, 1-based): chr17:17,793,546, C>G. VCF-style: chr17-17793546-C-G. GRCh37 (hg19) VCF-style: chr17-17696860-C-G.
Other names: short protein forms P200A.
Identifiers: ClinVar variation 2698776 (VCV002698776.3), dbSNP rs560444397, ClinGen allele CA398545815.